The following is an entry in ClinVar:

NM_006648.4(WNK2):c.2783C>G (p.Pro928Arg)

Gene: WNK2 (WNK lysine deficient protein kinase 2; plus strand). Cytogenetic location: 9q22.31.
Variant type: single nucleotide variant.
Coding change: c.2783C>G on transcript NM_006648.4 (MANE Select); coding-DNA position 2783, C replaced by G.
Protein change: p.Pro928Arg; replaces proline 928 with arginine.
Molecular consequence: missense variant.
Genome position (GRCh38, 1-based): chr9:93,259,331, C>G. VCF-style: chr9-93259331-C-G. GRCh37 (hg19) VCF-style: chr9-96021613-C-G.
Other names: c.2783C>G, p.Pro928Arg (NM_001282394.3); short protein forms P928R.
Identifiers: ClinVar variation 3816638 (VCV003816638.1).

ClinVar aggregate classification (germline): Uncertain significance (1 of 4 stars; one submission).

gnomAD v4.1: 1 of 1,613,594 alleles (0.000062%); highest among the groups gnomAD compares: Non-Finnish European, 0.000085%; no homozygotes.

Submission:

Ambry Genetics
Classification: Uncertain significance. Last evaluated: 2024-12-27. Review status: criteria provided, single submitter. Criteria: Ambry Variant Classification Scheme 2023. Collection method: clinical testing. Allele origin: germline.
Comment: The p.P928R variant (also known as c.2783C>G), located in coding exon 11 of the WNK2 gene, results from a C to G substitution at nucleotide position 2783. The proline at codon 928 is replaced by arginine, an amino acid with dissimilar properties. This amino acid position is conserved. In addition, the in silico prediction for this alteration is inconclusive. Based on the available evidence, the clinical significance of this variant remains unclear.